The following is an entry in ClinVar:

NM_000143.4(FH):c.738+1G>A

Gene: FH (fumarate hydratase; minus strand). Cytogenetic location: 1q43.
Variant type: single nucleotide variant.
Coding change: c.738+1G>A on transcript NM_000143.4 (MANE Select); the canonical splice donor site of the intron after coding-DNA position 738, G replaced by A.
Molecular consequence: splice donor variant.
Genome position (GRCh38, 1-based): chr1:241,508,602, C>T on the plus strand (G>A on the coding strand, the complement: FH is on the minus strand). VCF-style: chr1-241508602-C-T. GRCh37 (hg19) VCF-style: chr1-241671902-C-T.
Identifiers: ClinVar variation 960893 (VCV000960893.13), dbSNP rs1659988368, ClinGen allele CA345439140.

ClinVar aggregate classification (germline): Pathogenic. Review status: criteria provided, multiple submitters, no conflicts (2 of 4 stars). 3 submissions from 3 submitters: Pathogenic (3). Last evaluated 2024-06-05.

Conditions:
Hereditary cancer-predisposing syndrome. Also called: Hereditary neoplastic syndrome; Neoplastic Syndromes, Hereditary; Hereditary Cancer Syndrome; Tumor predisposition. Identifiers: Orphanet 140162, MedGen C0027672, MeSH D009386, MONDO:0015356.
Hereditary leiomyomatosis and renal cell cancer. Also called: LEIOMYOMA, MULTIPLE CUTANEOUS; Familial leiomyomatosis; MULTIPLE CUTANEOUS AND UTERINE LEIOMYOMATA 1, WITH OR WITHOUT RENAL CELL CARCINOMA; Multiple cutaneous leiomyomas; FH tumor predisposition syndrome; Reed syndrome. Identifiers: Orphanet 523, MedGen C1708350, MONDO:0007888, OMIM 150800, HP:0007437. Disease mechanism: loss of function.

Allele frequency attached by ClinVar (database versions not stated): gnomAD exomes below 0.00001.
gnomAD v4.1: 1 of 1,611,998 alleles (0.000062%); highest among the groups gnomAD compares: East Asian, 0.0022%; no homozygotes.

Submissions (3):

Ambry Genetics
Classification: Pathogenic for Hereditary cancer-predisposing syndrome. Last evaluated: 2024-06-05. Review status: criteria provided, single submitter. Criteria: Ambry Variant Classification Scheme 2023. Collection method: clinical testing. Allele origin: germline.
Comment: The c.738+1G>A intronic pathogenic mutation results from a G to A substitution one nucleotide after coding exon 5 of the FH gene. This alteration has been observed in at least one individual with a personal and/or family history that is consistent with FH-related disease (Ambry internal data). This nucleotide position is highly conserved in available vertebrate species. In silico splice site analysis predicts that this alteration will weaken the native splice donor site. RNA studies have demonstrated that this alteration results in abnormal splicing in the set of samples tested (Ambry internal data). This variant is considered to be rare based on population cohorts in the Genome Aggregation Database (gnomAD). Based on the supporting evidence, this variant is interpreted as a disease-causing mutation.

Labcorp Genetics (formerly Invitae), Labcorp
Classification: Pathogenic. Last evaluated: 2024-04-24. Review status: criteria provided, single submitter. Criteria: Invitae Variant Classification Sherloc (09022015). Collection method: clinical testing. Allele origin: germline.
Comment: This sequence change affects a donor splice site in intron 5 of the FH gene. It is expected to disrupt RNA splicing. Variants that disrupt the donor or acceptor splice site typically lead to a loss of protein function (PMID: 16199547), and loss-of-function variants in FH are known to be pathogenic (PMID: 11865300, 21398687). This variant is not present in population databases (gnomAD no frequency). Disruption of this splice site has been observed in individuals with multiple cutaneous leiomyomas and/or renal cell carcinoma (PMID: 26173633; Invitae). ClinVar contains an entry for this variant (Variation ID: 960893). Algorithms developed to predict the effect of sequence changes on RNA splicing suggest that this variant may disrupt the consensus splice site. For these reasons, this variant has been classified as Pathogenic.

Myriad Genetics, Inc.
Classification: Pathogenic for Hereditary leiomyomatosis and renal cell cancer. Last evaluated: 2023-06-20. Review status: criteria provided, single submitter. Criteria: Myriad Autosomal Dominant, Autosomal Recessive and X-Linked Classification Criteria (2023). Collection method: clinical testing. Allele origin: unknown.
Comment: This variant is considered pathogenic. This variant occurs within a consensus splice junction and is predicted to result in abnormal mRNA splicing of either an out-of-frame exon or an in-frame exon necessary for protein stability and/or normal function. This variant has been reported in multiple individuals with clinical features of gene-specific disease [PMID: 26173633, 28300276, Myriad internal data]. Functional studies indicate this variant impacts protein function [PMID: 26173633].

Literature cited by the submitters: PubMed 16199547 (cited by Labcorp Genetics (formerly Invitae), Labcorp); PubMed 11865300 (cited by Labcorp Genetics (formerly Invitae), Labcorp); PubMed 21398687 (cited by Labcorp Genetics (formerly Invitae), Labcorp); PubMed 26173633 (cited by Labcorp Genetics (formerly Invitae), Labcorp and Myriad Genetics, Inc.); PubMed 28300276 (cited by Myriad Genetics, Inc.).